The following is an entry in ClinVar:

NM_003001.5(SDHC):c.*13C>G

Gene: SDHC (succinate dehydrogenase complex subunit C; plus strand). Cytogenetic location: 1q23.3.
Variant type: single nucleotide variant.
Coding change: c.*13C>G on transcript NM_003001.5 (MANE Select); 13 bases downstream of the stop codon, C replaced by G.
Molecular consequence: 3 prime UTR variant. On other transcripts: missense variant (3).
Genome position (GRCh38, 1-based): chr1:161,362,446, C>G. VCF-style: chr1-161362446-C-G. GRCh37 (hg19) VCF-style: chr1-161332236-C-G.
Other names: c.359C>G (NM_001035511.1); c.257C>G (NM_001278172.1); c.359C>G, p.Ser120Cys (NM_001035511.3); c.*13C>G (NM_001035512.3, NM_001035513.3, NM_001407115.1 and 5 more transcripts); c.257C>G, p.Ser86Cys (NM_001278172.3); c.302C>G, p.Ser101Cys (NM_001407121.1); short protein forms S120C, S86C, S101C.
Identifiers: ClinVar variation 391373 (VCV000391373.4), dbSNP rs751765134, ClinGen allele CA047648.

ClinVar aggregate classification (germline): Likely benign. Review status: criteria provided, multiple submitters, no conflicts (2 of 4 stars). 3 submissions from 3 submitters: Likely benign (3). Last evaluated 2026-07-01.

Conditions:
Hereditary cancer-predisposing syndrome. Also called: Neoplastic Syndromes, Hereditary; Hereditary Cancer Syndrome; Tumor predisposition; Hereditary neoplastic syndrome. Identifiers: Orphanet 140162, MedGen C0027672, MeSH D009386, MONDO:0015356.
SDHC-related disorder. Also called: SDHC-related condition.

Allele frequency attached by ClinVar (database versions not stated): gnomAD exomes 0.00026; gnomAD 0.00006; TOPMed 0.00006; ExAC 0.00026.

Submissions (3):

Ambry Genetics
Classification: Likely benign for Hereditary cancer-predisposing syndrome. Last evaluated: 2026-07-01. Review status: criteria provided, single submitter. Criteria: Ambry Variant Classification Scheme 2023. Collection method: clinical testing. Allele origin: germline.

PreventionGenetics, part of Exact Sciences
Classification: Likely benign for SDHC-related condition. Last evaluated: 2025-03-31. Review status: criteria provided, single submitter. Criteria: ACMG Guidelines, 2015. Collection method: clinical testing. Allele origin: germline.
Comment: This variant is classified as likely benign based on ACMG/AMP sequence variant interpretation guidelines (Richards et al. 2015 PMID: 25741868, with internal and published modifications).

GeneDx
Classification: Likely benign. Last evaluated: 2016-11-29. Review status: criteria provided, single submitter. Criteria: GeneDx Variant Classification (06012015). Collection method: clinical testing. Allele origin: germline. Affected: yes.
Comment: This variant is considered likely benign or benign based on one or more of the following criteria: it is a conservative change, it occurs at a poorly conserved position in the protein, it is predicted to be benign by multiple in silico algorithms, and/or has population frequency not consistent with disease.